The following is an entry in ClinVar:

ClinVar aggregate classification (germline): Uncertain significance (1 of 4 stars; one submission).

Allele frequency attached by ClinVar (database versions not stated): gnomAD exomes below 0.00001.
gnomAD v4.1: 1 of 1,614,208 alleles (0.000062%); highest among the groups gnomAD compares: Non-Finnish European, 0.000085%; no homozygotes.

Submission:

Labcorp Genetics (formerly Invitae), Labcorp
Classification: Uncertain significance. Last evaluated: 2022-10-24. Review status: criteria provided, single submitter. Criteria: Invitae Variant Classification Sherloc (09022015). Collection method: clinical testing. Allele origin: germline.
Comment: This sequence change replaces arginine, which is basic and polar, with cysteine, which is neutral and slightly polar, at codon 1659 of the POLR1A protein (p.Arg1659Cys). This variant is not present in population databases (gnomAD no frequency). This variant has not been reported in the literature in individuals affected with POLR1A-related conditions. ClinVar contains an entry for this variant (Variation ID: 1506712). Advanced modeling of protein sequence and biophysical properties (such as structural, functional, and spatial information, amino acid conservation, physicochemical variation, residue mobility, and thermodynamic stability) performed at Invitae indicates that this missense variant is expected to disrupt POLR1A protein function. In summary, the available evidence is currently insufficient to determine the role of this variant in disease. Therefore, it has been classified as a Variant of Uncertain Significance.

NM_015425.6(POLR1A):c.4975C>T (p.Arg1659Cys)

Gene: POLR1A (RNA polymerase I subunit A; minus strand). Cytogenetic location: 2p11.2.
Variant type: single nucleotide variant.
Coding change: c.4975C>T on transcript NM_015425.6 (MANE Select); coding-DNA position 4975, C replaced by T.
Protein change: p.Arg1659Cys; replaces arginine 1659 with cysteine.
Molecular consequence: missense variant.
Genome position (GRCh38, 1-based): chr2:86,027,972, G>A on the plus strand (C>T on the coding strand, the complement: POLR1A is on the minus strand). VCF-style: chr2-86027972-G-A. GRCh37 (hg19) VCF-style: chr2-86255095-G-A.
Other names: short protein forms R1659C.
Identifiers: ClinVar variation 1506712 (VCV001506712.8), dbSNP rs1672302366, ClinGen allele CA347544262.
Genomic context (GRCh38, chr2:86,027,972, plus strand): 5'-GGAAGCTGGTTTCAAATGTCATCTGCTGTAGCGGGGAAGAGTTTGACCGGATCCCAAAGC[G>A]ATTCAGTGGCTTGTAAACACCCTCGAAGCACATATAATCAGCAACCAGGGAGAGATGGCG-3'
Protein context (NP_056240.2, residues 1649-1669): CFEGVYKPLN[Arg1659Cys]FGIRSNSSPL